The following is an entry in ClinVar:

ClinVar aggregate classification (germline): Uncertain significance (1 of 4 stars; one submission).

Conditions:
Left-right axis malformations. Identifiers: MedGen C1866091.

Allele frequency attached by ClinVar (database versions not stated): TOPMed below 0.00001; gnomAD 0.00001; gnomAD exomes 0.00001.
gnomAD v4.1: 8 of 1,569,718 alleles (0.00051%); highest among the groups gnomAD compares: Middle Eastern, 0.023%; no homozygotes.

Submission:

Labcorp Genetics (formerly Invitae), Labcorp
Classification: Uncertain significance for Left-right axis malformations. Last evaluated: 2024-11-22. Review status: criteria provided, single submitter. Criteria: Invitae Variant Classification Sherloc (09022015). Collection method: clinical testing. Allele origin: germline.
Comment: This sequence change replaces aspartic acid, which is acidic and polar, with tyrosine, which is neutral and polar, at codon 155 of the LEFTY2 protein (p.Asp155Tyr). The frequency data for this variant in the population databases is considered unreliable, as metrics indicate poor data quality at this position in the gnomAD database. This variant has not been reported in the literature in individuals affected with LEFTY2-related conditions. ClinVar contains an entry for this variant (Variation ID: 2727513). Invitae Evidence Modeling of protein sequence and biophysical properties (such as structural, functional, and spatial information, amino acid conservation, physicochemical variation, residue mobility, and thermodynamic stability) indicates that this missense variant is expected to disrupt LEFTY2 protein function with a positive predictive value of 80%. In summary, the available evidence is currently insufficient to determine the role of this variant in disease. Therefore, it has been classified as a Variant of Uncertain Significance.

NM_003240.5(LEFTY2):c.463G>T (p.Asp155Tyr)

Gene: LEFTY2 (left-right determination factor 2; minus strand). Cytogenetic location: 1q42.12.
Variant type: single nucleotide variant.
Coding change: c.463G>T on transcript NM_003240.5 (MANE Select); coding-DNA position 463, G replaced by T.
Protein change: p.Asp155Tyr; replaces aspartic acid 155 with tyrosine.
Molecular consequence: missense variant.
Genome position (GRCh38, 1-based): chr1:225,939,790, C>A on the plus strand (G>T on the coding strand, the complement: LEFTY2 is on the minus strand). VCF-style: chr1-225939790-C-A. GRCh37 (hg19) VCF-style: chr1-226127490-C-A.
Other names: c.361G>T, p.Asp121Tyr (NM_001172425.3); short protein forms D121Y, D155Y.
Identifiers: ClinVar variation 2727513 (VCV002727513.3), dbSNP rs1448022427, ClinGen allele CA345016154.
Genomic context (GRCh38, chr1:225,939,790, plus strand): 5'-GCCCTGCGCGCCCGCGCGACCCCCACCTGGAGTCGATGAGGGAGGTGCGGTTGGAGCCGT[C>A]GTCGCGGACGCGCAGCCACTCGACGGTCACCCGGGCCTGGGCGCTGCGCGGGGACAGCCG-3'
Protein context (NP_003231.2, residues 145-165): VTVEWLRVRD[Asp155Tyr]GSNRTSLIDS